The following is an entry in ClinVar:

NM_001040108.2(MLH3):c.-5C>T

Gene: MLH3 (mutL homolog 3; minus strand). Cytogenetic location: 14q24.3.
Variant type: single nucleotide variant.
Coding change: c.-5C>T on transcript NM_001040108.2 (MANE Select); 5 bases upstream of the start codon, C replaced by T.
Molecular consequence: 5 prime UTR variant.
Genome position (GRCh38, 1-based): chr14:75,049,660, G>A on the plus strand (C>T on the coding strand, the complement: MLH3 is on the minus strand). VCF-style: chr14-75049660-G-A. GRCh37 (hg19) VCF-style: chr14-75516363-G-A.
Other names: c.-5C>T (NM_014381.3).
Identifiers: ClinVar variation 1750991 (VCV001750991.3), dbSNP rs1447850440, ClinGen allele CA615060452.

ClinVar aggregate classification (germline): Uncertain significance (1 of 4 stars; one submission).

Allele frequency attached by ClinVar (database versions not stated): gnomAD exomes below 0.00001; TOPMed below 0.00001; gnomAD 0.00001.
gnomAD v4.1: 4 of 1,613,152 alleles (0.00025%); highest among the groups gnomAD compares: Non-Finnish European, 0.00034%; no homozygotes.

Submission:

Ambry Genetics
Classification: Uncertain significance. Last evaluated: 2025-08-19. Review status: criteria provided, single submitter. Criteria: Ambry Variant Classification Scheme 2023. Collection method: clinical testing. Allele origin: germline.
Comment: The c.-5C>T variant is located in the 5' untranslated region (5&rsquo; UTR) of the MLH3 gene. This variant results from a C to T substitution 5 bases upstream from the first translated codon. This nucleotide position is well conserved in available vertebrate species. The evidence for this gene-disease relationship is limited; therefore, the clinical significance of this alteration is unclear.